The following is an entry in ClinVar:

NM_001999.4(FBN2):c.6551A>T (p.Asn2184Ile)

Gene: FBN2 (fibrillin 2; minus strand). Cytogenetic location: 5q23.3.
Variant type: single nucleotide variant.
Coding change: c.6551A>T on transcript NM_001999.4 (MANE Select); coding-DNA position 6551, A replaced by T.
Protein change: p.Asn2184Ile; replaces asparagine 2184 with isoleucine.
Molecular consequence: missense variant.
Genome position (GRCh38, 1-based): chr5:128,289,213, T>A on the plus strand (A>T on the coding strand, the complement: FBN2 is on the minus strand). VCF-style: chr5-128289213-T-A. GRCh37 (hg19) VCF-style: chr5-127624905-T-A.
Other names: short protein forms N2184I.
Identifiers: ClinVar variation 210998 (VCV000210998.30), dbSNP rs149071226, ClinGen allele CA319708.

ClinVar aggregate classification (germline): Conflicting classifications of pathogenicity. Review status: criteria provided, conflicting classifications (1 of 4 stars). 8 submissions from 8 submitters: Uncertain significance (1); Benign (3); Likely benign (4). Last evaluated 2026-01-19.

Conditions:
Familial thoracic aortic aneurysm and aortic dissection (TAAD). Also called: Thoracic aortic aneurysms and dissections. Identifiers: Orphanet 91387, MedGen C4707243, MONDO:0019625.
Congenital contractural arachnodactyly (CCA). Also called: BEALS SYNDROME; Arthrogryposis, distal, type 9; Beals-Hecht syndrome. Identifiers: Orphanet 115, MedGen C0220668, MONDO:0007363, OMIM 121050.

Allele frequency attached by ClinVar (database versions not stated): 1000 Genomes Project 30x 0.00047; 1000 Genomes Project 0.00060; ESP Exome Variant Server 0.00146; gnomAD 0.00158 and 0.00178; TOPMed 0.00192.
gnomAD v4.1: 523 of 1,613,848 alleles (0.032%); highest among the groups gnomAD compares: African/African-American, 0.54%; 1 homozygote.

Submissions (8):

Labcorp Genetics (formerly Invitae), Labcorp
Classification: Benign for Congenital contractural arachnodactyly. Last evaluated: 2026-01-19. Review status: criteria provided, single submitter. Criteria: Invitae Variant Classification Sherloc (09022015). Collection method: clinical testing. Allele origin: germline.

Women's Health and Genetics/Laboratory Corporation of America, LabCorp
Classification: Benign. Last evaluated: 2025-03-24. Review status: criteria provided, single submitter. Criteria: LabCorp Variant Classification Summary - May 2015. Collection method: clinical testing. Allele origin: germline.
Comment: Variant summary: FBN2 c.6551A>T (p.Asn2184Ile) results in a non-conservative amino acid change located in the EGF-like calcium-binding repeat domain (IPR001881) of the encoded protein sequence. Four of four in-silico tools predict a damaging effect of the variant on protein function. The variant allele was found at a frequency of 0.00033 in 1606876 control chromosomes, predominantly at a frequency of 0.0054 within the African or African-American subpopulation in the gnomAD database (v4.1 dataset), including 1 homozygote. The observed variant frequency within African or African-American control individuals in the gnomAD database exceeds the estimated maximal expected allele frequency for a pathogenic variant in FBN2 causing Nonsyndromic Heritable Thoracic Aortic Aneurysms And Dissections phenotype. To our knowledge, no occurrence of c.6551A>T in individuals affected with Nonsyndromic Heritable Thoracic Aortic Aneurysms And Dissections and no experimental evidence demonstrating its impact on protein function have been reported. ClinVar contains an entry for this variant (Variation ID: 210998). Based on the evidence outlined above, the variant was classified as benign.

Blueprint Genetics
Classification: Likely benign. Last evaluated: 2024-09-23. Review status: criteria provided, single submitter. Criteria: ACMG Guidelines, 2015. Collection method: clinical testing. Allele origin: germline.

GeneDx
Classification: Likely benign. Last evaluated: 2020-10-05. Review status: criteria provided, single submitter. Criteria: GeneDx Variant Classification Process June 2021. Collection method: clinical testing. Allele origin: germline. Affected: yes.

Illumina Laboratory Services, Illumina
Classification: Benign for Congenital contractural arachnodactyly. Last evaluated: 2018-01-13. Review status: criteria provided, single submitter. Criteria: ICSL Variant Classification Criteria 13 December 2019. Collection method: clinical testing. Allele origin: germline.
Comment: This variant was observed in the ICSL laboratory as part of a predisposition screen in an ostensibly healthy population. It had not been previously curated by ICSL or reported in the Human Gene Mutation Database (HGMD: prior to June 1st, 2018), and was therefore a candidate for classification through an automated scoring system. Utilizing variant allele frequency, disease prevalence and penetrance estimates, and inheritance mode, an automated score was calculated to assess if this variant is too frequent to cause the disease. Based on the score and internal cut-off values, a variant classified as benign is not then subjected to further curation. The score for this variant resulted in a classification of benign for this disease.

Ambry Genetics
Classification: Likely benign for Familial thoracic aortic aneurysm and aortic dissection. Last evaluated: 2016-02-26. Review status: criteria provided, single submitter. Criteria: Ambry Variant Classification Scheme 2023. Collection method: clinical testing. Allele origin: germline.

Genetic Services Laboratory, University of Chicago
Classification: Uncertain significance. Last evaluated: 2015-07-24. Review status: criteria provided, single submitter. Criteria: ACMG Guidelines, 2015. Collection method: clinical testing. Allele origin: germline.

PreventionGenetics, part of Exact Sciences
Classification: Likely benign. Review status: criteria provided, single submitter. Criteria: ACMG Guidelines, 2015. Collection method: clinical testing. Allele origin: germline.